The following is an entry in ClinVar:

ClinVar aggregate classification (germline): Benign. Review status: criteria provided, multiple submitters, no conflicts (2 of 4 stars). 7 submissions from 7 submitters: Benign (5). 2 of the submissions do not count toward it. Last evaluated 2026-02-03.

Conditions:
Bethlem myopathy 1A. Also called: Bethlem myopathy 1; Bethlem Muscular Dystrophy; MYOPATHY, BENIGN CONGENITAL, WITH CONTRACTURES. Identifiers: Orphanet 610, MedGen CN029274, MONDO:0024530, OMIM 158810.

Allele frequency attached by ClinVar (database versions not stated): 1000 Genomes Project 30x 0.60509; TOPMed 0.55845; ESP Exome Variant Server 0.54237; gnomAD 0.58488; 1000 Genomes Project 0.61002.
gnomAD v4.1: 921,304 of 1,606,648 alleles (57%); highest among the groups gnomAD compares: East Asian, 74%; 265,516 homozygotes.

Submissions (7):

Labcorp Genetics (formerly Invitae), Labcorp
Classification: Benign for Bethlem myopathy 1A. Last evaluated: 2026-02-03. Review status: criteria provided, single submitter. Criteria: Invitae Variant Classification Sherloc (09022015). Collection method: clinical testing. Allele origin: germline.

GeneDx
Classification: Benign. Last evaluated: 2016-01-05. Review status: criteria provided, single submitter. Criteria: GeneDx Variant Classification (06012015). Collection method: clinical testing. Allele origin: germline. Affected: yes.
Comment: This variant is considered likely benign or benign based on one or more of the following criteria: it is a conservative change, it occurs at a poorly conserved position in the protein, it is predicted to be benign by multiple in silico algorithms, and/or has population frequency not consistent with disease.

Eurofins Ntd Llc (ga)
Classification: Benign. Last evaluated: 2014-10-14. Review status: criteria provided, single submitter. Criteria: EGL Classification Definitions 2015. Collection method: clinical testing. Allele origin: germline. Observed: 73 variant alleles, 44 heterozygotes, 29 homozygotes.

Breakthrough Genomics
Classification: Benign. Review status: criteria provided, single submitter. Criteria: ACMG Guidelines, 2015. Collection method: not provided. Allele origin: germline. Inheritance: Autosomal recessive inheritance. Affected: yes.

PreventionGenetics, part of Exact Sciences
Classification: Benign. Review status: criteria provided, single submitter. Criteria: ACMG Guidelines, 2015. Collection method: clinical testing. Allele origin: germline.

Clinical Genetics, Academic Medical Center
Classification: Benign. Review status: no assertion criteria provided. Collection method: clinical testing. Allele origin: germline. Affected: yes. Study: VKGL Data-share Consensus. Not counted in ClinVar's aggregate classification.

Joint Genome Diagnostic Labs from Nijmegen and Maastricht, Radboudumc and MUMC+
Classification: Benign. Review status: no assertion criteria provided. Collection method: clinical testing. Allele origin: germline. Affected: yes. Study: VKGL Data-share Consensus. Not counted in ClinVar's aggregate classification.

NM_001848.3(COL6A1):c.1461+18C>A

Gene: COL6A1 (collagen type VI alpha 1 chain; plus strand). Cytogenetic location: 21q22.3.
Variant type: single nucleotide variant.
Coding change: c.1461+18C>A on transcript NM_001848.3 (MANE Select); 18 bases into the intron after coding-DNA position 1461, C replaced by A.
Molecular consequence: intron variant.
Genome position (GRCh38, 1-based): chr21:45,997,501, C>A. VCF-style: chr21-45997501-C-A. GRCh37 (hg19) VCF-style: chr21-47417415-C-A.
Identifiers: ClinVar variation 93815 (VCV000093815.18), dbSNP rs2276254, ClinGen allele CA147327.
Genomic context (GRCh38, chr21:45,997,501, plus strand): 5'-ACCTAAAGGCTACCGAGGCGATGAGGGTCCCCCAGGGTCCGAGGTGAGTCCCACTCCCCA[C>A]CCACACCCGCCCACCCAGGGGGGCCTGAGGATCCAGAACCCACTGTCTGCCCAGTGCTGG-3'